The following is an entry in ClinVar:

NM_006904.7(PRKDC):c.5623A>G (p.Lys1875Glu)

Gene: PRKDC (protein kinase, DNA-activated, catalytic subunit; minus strand). Cytogenetic location: 8q11.21.
Variant type: single nucleotide variant.
Coding change: c.5623A>G on transcript NM_006904.7 (MANE Select); coding-DNA position 5623, A replaced by G.
Protein change: p.Lys1875Glu; replaces lysine 1875 with glutamic acid.
Molecular consequence: missense variant.
Genome position (GRCh38, 1-based): chr8:47,863,526, T>C on the plus strand (A>G on the coding strand, the complement: PRKDC is on the minus strand). VCF-style: chr8-47863526-T-C. GRCh37 (hg19) VCF-style: chr8-48776087-T-C.
Other names: c.5623A>G, p.Lys1875Glu (NM_001081640.2); short protein forms K1875E.
Identifiers: ClinVar variation 1748711 (VCV001748711.2), dbSNP rs2551870852, ClinGen allele CA371163141.

ClinVar aggregate classification (germline): Uncertain significance (1 of 4 stars; one submission).

Submission:

Ambry Genetics
Classification: Uncertain significance. Last evaluated: 2022-03-08. Review status: criteria provided, single submitter. Criteria: Ambry Variant Classification Scheme 2023. Collection method: clinical testing. Allele origin: germline.
Comment: The p.K1875E variant (also known as c.5623A>G), located in coding exon 42 of the PRKDC gene, results from an A to G substitution at nucleotide position 5623. The lysine at codon 1875 is replaced by glutamic acid, an amino acid with similar properties. This amino acid position is conserved. In addition, the in silico prediction for this alteration is inconclusive. Since supporting evidence is limited at this time, the clinical significance of this alteration remains unclear.